The following is an entry in ClinVar:

ClinVar aggregate classification (germline): Likely pathogenic (1 of 4 stars; one submission).

Conditions:
Autosomal recessive limb-girdle muscular dystrophy type 2J (LGMDR10). Also called: Limb-girdle muscular dystrophy, type 2J; MUSCULAR DYSTROPHY, LIMB-GIRDLE, AUTOSOMAL RECESSIVE 10. Identifiers: Orphanet 140922, MedGen C1837342, MONDO:0012127, OMIM 608807.
Dilated cardiomyopathy 1G (CMD1G). Identifiers: Orphanet 154, MedGen C1858763, MONDO:0011400, OMIM 604145.

Submission:

Labcorp Genetics (formerly Invitae), Labcorp
Classification: Likely pathogenic for Dilated cardiomyopathy 1G; Autosomal recessive limb-girdle muscular dystrophy type 2J. Last evaluated: 2025-07-22. Review status: criteria provided, single submitter. Criteria: Invitae Variant Classification Sherloc (09022015). Collection method: clinical testing. Allele origin: germline.
Comment: This sequence change creates a premature translational stop signal (p.Thr13890Lysfs*8) in the TTN gene. While this is not anticipated to result in nonsense mediated decay, it is expected to create a truncated TTN protein. This variant is not present in population databases (gnomAD no frequency). This variant has not been reported in the literature in individuals affected with TTN-related conditions. This variant is located in the I band of TTN (PMID: 25589632). Truncating variants in this region have been reported in individuals affected with autosomal recessive centronuclear myopathy (PMID: 23975875, internal data). Truncating variants in this region have also been identified in individuals affected with autosomal dominant dilated cardiomyopathy and/or cardio-related conditions (PMID: 27869827, 32964742, internal data). In summary, the currently available evidence indicates that the variant is pathogenic, but additional data are needed to prove that conclusively. Therefore, this variant has been classified as Likely Pathogenic.

Literature cited by the submitters: PubMed 25589632; PubMed 23975875; PubMed 27869827; PubMed 32964742.

NM_001267550.2(TTN):c.41669del (p.Thr13890fs)

Gene: TTN (titin; minus strand). Cytogenetic location: 2q31.2.
Variant type: Deletion.
Coding change: c.41669del on transcript NM_001267550.2 (MANE Select); coding-DNA position 41669, one base deleted (C; older notation c.41669delC).
Protein change: p.Thr13890fs; shifts the reading frame from threonine 13890.
Molecular consequence: frameshift variant.
Genome position (GRCh38, 1-based): chr2:178,635,655, G deleted on the plus strand (C on the coding strand, the reverse complement: TTN is on the minus strand). VCF-style (leftmost placement, unchanged base first): chr2-178635654-TG-T. GRCh37 (hg19) VCF-style: chr2-179500381-TG-T.
Other names: c.36746del, p.Thr12249fs (NM_001256850.1); c.14474del, p.Thr4825fs (NM_003319.4); c.33965del, p.Thr11322fs (NM_133378.4); c.14849del, p.Thr4950fs (NM_133432.3); c.15050del, p.Thr5017fs (NM_133437.4); short protein forms T4825fs, T5017fs, T12249fs, T4950fs, T11322fs, T13890fs.
Identifiers: ClinVar variation 4785335 (VCV004785335.1).